The following is an entry in ClinVar:

ClinVar aggregate classification (germline): Uncertain significance (1 of 4 stars; one submission).

Conditions:
Inborn genetic diseases. Identifiers: MedGen C0950123, MeSH D030342.

Submission:

Ambry Genetics
Classification: Uncertain significance for Inborn genetic diseases. Last evaluated: 2025-12-24. Review status: criteria provided, single submitter. Criteria: Ambry Variant Classification Scheme 2023. Collection method: clinical testing. Allele origin: germline.
Comment: The p.A257S variant (also known as c.769G>T), located in coding exon 6 of the G6PC3 gene, results from a G to T substitution at nucleotide position 769. The alanine at codon 257 is replaced by serine, an amino acid with similar properties. This amino acid position is conserved. In addition, this alteration is predicted to be tolerated by in silico analysis. Based on the available evidence, the clinical significance of this variant remains unclear.

NM_138387.4(G6PC3):c.769G>T (p.Ala257Ser)

Gene: G6PC3 (glucose-6-phosphatase catalytic subunit 3; plus strand). Cytogenetic location: 17q21.31.
Variant type: single nucleotide variant.
Coding change: c.769G>T on transcript NM_138387.4 (MANE Select); coding-DNA position 769, G replaced by T.
Protein change: p.Ala257Ser; replaces alanine 257 with serine.
Molecular consequence: missense variant. On other transcripts: 3 prime UTR variant (1).
Genome position (GRCh38, 1-based): chr17:44,075,771, G>T. VCF-style: chr17-44075771-G-T. GRCh37 (hg19) VCF-style: chr17-42153139-G-T.
Other names: c.*62G>T (NM_001319945.2); c.424G>T, p.Ala142Ser (NM_001384165.1, NM_001384166.1, NM_001384167.1 and 1 more transcripts); short protein forms A257S, A142S.
Identifiers: ClinVar variation 4843958 (VCV004843958.1).